The following is an entry in ClinVar:

NM_000593.6(TAP1):c.1294C>A (p.Gln432Lys)

Gene: TAP1 (transporter 1, ATP binding cassette subfamily B member; minus strand). Cytogenetic location: 6p21.32.
Variant type: single nucleotide variant.
Coding change: c.1294C>A on transcript NM_000593.6 (MANE Select); coding-DNA position 1294, C replaced by A.
Protein change: p.Gln432Lys; replaces glutamine 432 with lysine.
Molecular consequence: missense variant.
Genome position (GRCh38, 1-based): chr6:32,849,073, G>T on the plus strand (C>A on the coding strand, the complement: TAP1 is on the minus strand). VCF-style: chr6-32849073-G-T. GRCh37 (hg19) VCF-style: chr6-32816850-G-T.
Other names: c.691C>A, p.Gln231Lys (NM_001292022.2); short protein forms Q231K, Q432K.
Identifiers: ClinVar variation 1514816 (VCV001514816.5), dbSNP rs142567918, ClinGen allele CA3746810.

ClinVar aggregate classification (germline): Uncertain significance (1 of 4 stars; one submission).

Conditions:
MHC class I deficiency. Identifiers: Orphanet 34592, MedGen C6024714, MONDO:0011476.

Allele frequency attached by ClinVar (database versions not stated): TOPMed 0.00011; ESP Exome Variant Server 0.00024; gnomAD exomes below 0.00001 and 0.00001; ExAC 0.00002; gnomAD 0.00005 and 0.00006.

Submission:

Labcorp Genetics (formerly Invitae), Labcorp
Classification: Uncertain significance for MHC class I deficiency 1. Last evaluated: 2021-08-31. Review status: criteria provided, single submitter. Criteria: Invitae Variant Classification Sherloc (09022015). Collection method: clinical testing. Allele origin: germline.
Comment: This sequence change replaces glutamine with lysine at codon 492 of the TAP1 protein (p.Gln492Lys). The glutamine residue is moderately conserved and there is a small physicochemical difference between glutamine and lysine. This variant is present in population databases (rs142567918, ExAC 0.02%). This variant has not been reported in the literature in individuals affected with TAP1-related conditions. Algorithms developed to predict the effect of missense changes on protein structure and function output the following: SIFT: "Tolerated"; PolyPhen-2: "Benign"; Align-GVGD: "Class C0". The lysine amino acid residue is found in multiple mammalian species, which suggests that this missense change does not adversely affect protein function. In summary, the available evidence is currently insufficient to determine the role of this variant in disease. Therefore, it has been classified as a Variant of Uncertain Significance.